The following is an entry in ClinVar:

NM_000179.3(MSH6):c.3670G>A (p.Gly1224Arg)

Gene: MSH6 (mutS homolog 6; plus strand). Cytogenetic location: 2p16.3.
Variant type: single nucleotide variant.
Coding change: c.3670G>A on transcript NM_000179.3 (MANE Select); coding-DNA position 3670, G replaced by A.
Protein change: p.Gly1224Arg; replaces glycine 1224 with arginine.
Molecular consequence: missense variant.
Genome position (GRCh38, 1-based): chr2:47,806,227, G>A. VCF-style: chr2-47806227-G-A. GRCh37 (hg19) VCF-style: chr2-48033366-G-A.
Other names: c.3280G>A, p.Gly1094Arg (NM_001281492.2); c.2764G>A, p.Gly922Arg (NM_001281493.2, NM_001281494.2); short protein forms G1224R, G1094R, G922R.
Identifiers: ClinVar variation 483860 (VCV000483860.10), dbSNP rs1553332985, ClinGen allele CA346760855.

ClinVar aggregate classification (germline): Uncertain significance. Review status: criteria provided, multiple submitters, no conflicts (2 of 4 stars). 3 submissions from 3 submitters: Uncertain significance (3). Last evaluated 2026-08-19.

Conditions:
Hereditary nonpolyposis colorectal neoplasms. Identifiers: MedGen C0009405, MeSH D003123.
Lynch syndrome. Identifiers: Orphanet 144, MedGen C4552100, MONDO:0005835. Disease mechanism: loss of function.
Hereditary cancer-predisposing syndrome. Also called: Neoplastic Syndromes, Hereditary; Hereditary neoplastic syndrome; Hereditary Cancer Syndrome; Tumor predisposition. Identifiers: Orphanet 140162, MedGen C0027672, MeSH D009386, MONDO:0015356.

Submissions (3):

Ambry Genetics
Classification: Uncertain significance for Hereditary cancer-predisposing syndrome. Last evaluated: 2026-08-19. Review status: criteria provided, single submitter. Criteria: Ambry Variant Classification Scheme 2023. Collection method: clinical testing. Allele origin: germline.
Comment: The p.G1224R variant (also known as c.3670G>A), located in coding exon 8 of the MSH6 gene, results from a G to A substitution at nucleotide position 3670. The glycine at codon 1224 is replaced by arginine, an amino acid with dissimilar properties. This amino acid position is highly conserved in available vertebrate species. In addition, this alteration is predicted to be deleterious by in silico analysis. Based on the available evidence, the clinical significance of this variant remains unclear.

Labcorp Genetics (formerly Invitae), Labcorp
Classification: Uncertain significance for Hereditary nonpolyposis colorectal neoplasms. Last evaluated: 2023-06-14. Review status: criteria provided, single submitter. Criteria: Invitae Variant Classification Sherloc (09022015). Collection method: clinical testing. Allele origin: germline.
Comment: Advanced modeling of protein sequence and biophysical properties (such as structural, functional, and spatial information, amino acid conservation, physicochemical variation, residue mobility, and thermodynamic stability) performed at Invitae indicates that this missense variant is expected to disrupt MSH6 protein function. In summary, the available evidence is currently insufficient to determine the role of this variant in disease. Therefore, it has been classified as a Variant of Uncertain Significance. ClinVar contains an entry for this variant (Variation ID: 483860). This variant has not been reported in the literature in individuals affected with MSH6-related conditions. This variant is not present in population databases (gnomAD no frequency). This sequence change replaces glycine, which is neutral and non-polar, with arginine, which is basic and polar, at codon 1224 of the MSH6 protein (p.Gly1224Arg).

All of Us Research Program, National Institutes of Health
Classification: Uncertain significance for Lynch syndrome. Last evaluated: 2023-03-28. Review status: criteria provided, single submitter. Criteria: ACMG Guidelines, 2015. Collection method: clinical testing. Allele origin: germline. Inheritance: Autosomal dominant inheritance. Observed: 1 variant allele, 1 heterozygote.
Comment: This study involves interpretation of variants in research participants for the purpose of population health screening. Participant phenotype was not available at the time of variant classification. Additional details can be found in publication PMID: 35346344, PMCID: PMC8962531